The following is an entry in ClinVar:

ClinVar aggregate classification (germline): Uncertain significance. Review status: criteria provided, multiple submitters, no conflicts (2 of 4 stars). 4 submissions from 4 submitters: Uncertain significance (4). Last evaluated 2025-03-18.

Conditions:
Hypertrophic cardiomyopathy 14. Identifiers: MedGen C2750467, MONDO:0013197, OMIM 613251.

Allele frequency attached by ClinVar (database versions not stated): gnomAD exomes below 0.00001; TOPMed below 0.00001.
gnomAD v4.1: 1 of 1,614,204 alleles (0.000062%); highest among the groups gnomAD compares: Admixed American, 0.0017%; no homozygotes.

Submissions (4):

Labcorp Genetics (formerly Invitae), Labcorp
Classification: Uncertain significance for Hypertrophic cardiomyopathy 14. Last evaluated: 2025-03-18. Review status: criteria provided, single submitter. Criteria: Invitae Variant Classification Sherloc (09022015). Collection method: clinical testing. Allele origin: germline.
Comment: This sequence change replaces lysine, which is basic and polar, with glutamic acid, which is acidic and polar, at codon 867 of the MYH6 protein (p.Lys867Glu). This variant is not present in population databases (gnomAD no frequency). This missense change has been observed in individual(s) with MYH6-related conditions (PMID: 33500567). ClinVar contains an entry for this variant (Variation ID: 44468). Invitae Evidence Modeling of protein sequence and biophysical properties (such as structural, functional, and spatial information, amino acid conservation, physicochemical variation, residue mobility, and thermodynamic stability) indicates that this missense variant is not expected to disrupt MYH6 protein function with a negative predictive value of 80%. In summary, the available evidence is currently insufficient to determine the role of this variant in disease. Therefore, it has been classified as a Variant of Uncertain Significance.

GeneDx
Classification: Uncertain significance. Last evaluated: 2024-09-05. Review status: criteria provided, single submitter. Criteria: GeneDx Variant Classification Process June 2021. Collection method: clinical testing. Allele origin: germline. Affected: yes.
Comment: Not observed at significant frequency in large population cohorts (gnomAD); In silico analysis supports that this missense variant has a deleterious effect on protein structure/function; This variant is associated with the following publications: (PMID: 33500567)

Clinical Genetics Laboratory, Skane University Hospital Lund
Classification: Uncertain significance. Last evaluated: 2022-05-27. Review status: criteria provided, single submitter. Criteria: ACMG Guidelines, 2015. Collection method: clinical testing. Allele origin: germline. Affected: yes.

Laboratory for Molecular Medicine, Mass General Brigham Personalized Medicine
Classification: Uncertain significance. Last evaluated: 2012-09-24. Review status: criteria provided, single submitter. Criteria: LMM Criteria. Collection method: clinical testing. Allele origin: germline. Observed: 2 variant alleles.
Comment: The Lys867Glu variant in MYH6 has not been reported in the literature nor previo usly identified by our laboratory. Computational analyses (biochemical amino aci d properties, conservation, AlignGVGD, PolyPhen2, and SIFT) suggest that the Lys 867Glu variant may impact the protein, though this information is not predictive enough to determine pathogenicity. Additional information is needed to fully as sess the clinical significance of this variant.

Literature cited by the submitters: PubMed 33500567 (cited by Labcorp Genetics (formerly Invitae), Labcorp).

NM_002471.4(MYH6):c.2599A>G (p.Lys867Glu)

Gene: MYH6 (myosin heavy chain 6; minus strand). Cytogenetic location: 14q11.2.
Variant type: single nucleotide variant.
Coding change: c.2599A>G on transcript NM_002471.4 (MANE Select); coding-DNA position 2599, A replaced by G.
Protein change: p.Lys867Glu; replaces lysine 867 with glutamic acid.
Molecular consequence: missense variant.
Genome position (GRCh38, 1-based): chr14:23,394,154, T>C on the plus strand (A>G on the coding strand, the complement: MYH6 is on the minus strand). VCF-style: chr14-23394154-T-C. GRCh37 (hg19) VCF-style: chr14-23863363-T-C.
Other names: short protein forms K867E.
Identifiers: ClinVar variation 44468 (VCV000044468.7), dbSNP rs397516759, ClinGen allele CA134286.